The following is an entry in ClinVar:

NM_015512.5(DNAH1):c.11473del (p.His3825fs)

Gene: DNAH1 (dynein axonemal heavy chain 1; plus strand). Cytogenetic location: 3p21.1.
Variant type: Deletion.
Coding change: c.11473del on transcript NM_015512.5 (MANE Select); coding-DNA position 11473, one base deleted (C; older notation c.11473delC).
Protein change: p.His3825fs; shifts the reading frame from histidine 3825.
Molecular consequence: frameshift variant.
Genome position (GRCh38, 1-based): chr3:52,396,660, C deleted; the last of 2 consecutive C bases (chr3:52,396,659-52,396,660); deleting either gives the same sequence. VCF-style (leftmost placement, unchanged base first): chr3-52396658-TC-T. GRCh37 (hg19) VCF-style: chr3-52430674-TC-T.
Other names: short protein forms H3825fs.
Identifiers: ClinVar variation 2928659 (VCV002928659.3), dbSNP rs772235528, ClinGen allele CA2436184.
Genomic context (GRCh38, chr3:52,396,658, plus strand): 5'-CTGCCTCCCACCTCCCCCAGGTGATGGAGTTCAAGTCTCTGCTGCTGTCTCTGTGCTTGT[TC>T]CATGGGAACGCCCTGGAGCGCCGTAAGTTTGGGCCCCTGGGCTTCAACATCCCCTATGAG-3'

ClinVar aggregate classification (germline): Pathogenic (1 of 4 stars; one submission).

Conditions:
Spermatogenic failure 18. Identifiers: MedGen C4539783, MONDO:0054615, OMIM 617576.
Ciliary dyskinesia, primary, 37 (CILD37). Also called: CILIARY DYSKINESIA, PRIMARY, 37, WITH OR WITHOUT SITUS INVERSUS. Identifiers: MedGen C4539798, MONDO:0033204, OMIM 617577.

Submission:

Labcorp Genetics (formerly Invitae), Labcorp
Classification: Pathogenic for Ciliary dyskinesia, primary, 37; Spermatogenic failure 18. Last evaluated: 2024-03-02. Review status: criteria provided, single submitter. Criteria: Invitae Variant Classification Sherloc (09022015). Collection method: clinical testing. Allele origin: germline.
Comment: This sequence change creates a premature translational stop signal (p.His3825Metfs*71) in the DNAH1 gene. It is expected to result in an absent or disrupted protein product. Loss-of-function variants in DNAH1 are known to be pathogenic (PMID: 27573432, 27798045). This variant is present in population databases (rs772235528, gnomAD 0.007%). This variant has not been reported in the literature in individuals affected with DNAH1-related conditions. For these reasons, this variant has been classified as Pathogenic.

Literature cited by the submitters: PubMed 27573432; PubMed 27798045.